The following is an entry in ClinVar:

ClinVar aggregate classification (germline): Uncertain significance (1 of 4 stars; one submission).

Conditions:
Dilated cardiomyopathy 1G (CMD1G). Identifiers: Orphanet 154, MedGen C1858763, MONDO:0011400, OMIM 604145.
Autosomal recessive limb-girdle muscular dystrophy type 2J (LGMDR10). Also called: MUSCULAR DYSTROPHY, LIMB-GIRDLE, AUTOSOMAL RECESSIVE 10; Limb-girdle muscular dystrophy, type 2J. Identifiers: Orphanet 140922, MedGen C1837342, MONDO:0012127, OMIM 608807.

Allele frequency attached by ClinVar (database versions not stated): TOPMed below 0.00001; gnomAD exomes 0.00001.
gnomAD v4.1: 5 of 1,613,606 alleles (0.00031%); highest among the groups gnomAD compares: Non-Finnish European, 0.00042%; no homozygotes.

Submission:

Labcorp Genetics (formerly Invitae), Labcorp
Classification: Uncertain significance for Dilated cardiomyopathy 1G; Autosomal recessive limb-girdle muscular dystrophy type 2J. Last evaluated: 2025-11-21. Review status: criteria provided, single submitter. Criteria: Invitae Variant Classification Sherloc (09022015). Collection method: clinical testing. Allele origin: germline.
Comment: This sequence change replaces glutamic acid, which is acidic and polar, with alanine, which is neutral and non-polar, at codon 34797 of the TTN protein (p.Glu34797Ala). This variant is present in population databases (no rsID available, gnomAD 0.0009%). This variant has not been reported in the literature in individuals affected with TTN-related conditions. ClinVar contains an entry for this variant (Variation ID: 2038466). An algorithm developed to predict the effect of missense changes on protein structure and function outputs the following: PolyPhen-2: "Not Available". The alanine amino acid residue is found in multiple mammalian species, which suggests that this missense change does not adversely affect protein function. This variant is located in the M band of TTN (PMID: 25589632). Non-truncating variants in this region may be relevant for neuromuscular disorders, but have not been definitively shown to cause cardiomyopathy (PMID: 23975875). In summary, the available evidence is currently insufficient to determine the role of this variant in disease. Therefore, it has been classified as a Variant of Uncertain Significance.

Literature cited by the submitters: PubMed 25589632; PubMed 23975875.

NM_001267550.2(TTN):c.104390A>C (p.Glu34797Ala)

Genes: TTN (titin; minus strand), TTN-AS1 (TTN antisense RNA 1; plus strand). Cytogenetic location: 2q31.2.
Variant type: single nucleotide variant.
Coding change: c.104390A>C on transcript NM_001267550.2 (MANE Select); coding-DNA position 104390, A replaced by C.
Protein change: p.Glu34797Ala; replaces glutamic acid 34797 with alanine.
Molecular consequence: missense variant.
Genome position (GRCh38, 1-based): chr2:178,532,225, T>G on the plus strand (A>C on the coding strand, the complement: TTN is on the minus strand). VCF-style: chr2-178532225-T-G. GRCh37 (hg19) VCF-style: chr2-179396952-T-G.
Other names: c.99467A>C, p.Glu33156Ala (NM_001256850.1); c.77195A>C, p.Glu25732Ala (NM_003319.4); c.96686A>C, p.Glu32229Ala (NM_133378.4); c.77570A>C, p.Glu25857Ala (NM_133432.3); c.77771A>C, p.Glu25924Ala (NM_133437.4); short protein forms E25732A, E25857A, E25924A, E32229A, E34797A, E33156A.
Identifiers: ClinVar variation 2038466 (VCV002038466.3), dbSNP rs879056612, ClinGen allele CA60956253.